The following is an entry in ClinVar:

ClinVar aggregate classification (germline): Uncertain significance (1 of 4 stars; one submission).

Conditions:
Spastic paraplegia. Identifiers: MedGen C0037772, HP:0001258.

Allele frequency attached by ClinVar (database versions not stated): gnomAD exomes below 0.00001; gnomAD 0.00001.
gnomAD v4.1: 3 of 1,614,066 alleles (0.00019%); highest among the groups gnomAD compares: Non-Finnish European, 0.00017%; no homozygotes.

Submission:

Labcorp Genetics (formerly Invitae), Labcorp
Classification: Uncertain significance for Spastic paraplegia. Last evaluated: 2022-07-15. Review status: criteria provided, single submitter. Criteria: Invitae Variant Classification Sherloc (09022015). Collection method: clinical testing. Allele origin: germline.
Comment: In summary, the available evidence is currently insufficient to determine the role of this variant in disease. Therefore, it has been classified as a Variant of Uncertain Significance. Algorithms developed to predict the effect of missense changes on protein structure and function output the following: SIFT: "Tolerated"; PolyPhen-2: "Benign"; Align-GVGD: "Class C0". The valine amino acid residue is found in multiple mammalian species, which suggests that this missense change does not adversely affect protein function. This variant has not been reported in the literature in individuals affected with CYP7B1-related conditions. This variant is present in population databases (no rsID available, gnomAD 0.003%). This sequence change replaces isoleucine, which is neutral and non-polar, with valine, which is neutral and non-polar, at codon 395 of the CYP7B1 protein (p.Ile395Val).

NM_004820.5(CYP7B1):c.1183A>G (p.Ile395Val)

Gene: CYP7B1 (cytochrome P450 family 7 subfamily B member 1; minus strand). Cytogenetic location: 8q12.3.
Variant type: single nucleotide variant.
Coding change: c.1183A>G on transcript NM_004820.5 (MANE Select); coding-DNA position 1183, A replaced by G.
Protein change: p.Ile395Val; replaces isoleucine 395 with valine.
Molecular consequence: missense variant.
Genome position (GRCh38, 1-based): chr8:64,604,732, T>C on the plus strand (A>G on the coding strand, the complement: CYP7B1 is on the minus strand). VCF-style: chr8-64604732-T-C. GRCh37 (hg19) VCF-style: chr8-65517289-T-C.
Other names: c.1183A>G, p.Ile395Val (NM_001324112.2); short protein forms I395V.
Identifiers: ClinVar variation 2039922 (VCV002039922.2), dbSNP rs1473631146, ClinGen allele CA371334094.